The following is an entry in ClinVar:

NM_020778.5(ALPK3):c.2657C>T (p.Thr886Ile)

Gene: ALPK3 (alpha kinase 3; plus strand). Cytogenetic location: 15q25.3.
Variant type: single nucleotide variant.
Coding change: c.2657C>T on transcript NM_020778.5 (MANE Select); coding-DNA position 2657, C replaced by T.
Protein change: p.Thr886Ile; replaces threonine 886 with isoleucine.
Molecular consequence: missense variant.
Genome position (GRCh38, 1-based): chr15:84,857,395, C>T. VCF-style: chr15-84857395-C-T. GRCh37 (hg19) VCF-style: chr15-85400626-C-T.
Other names: c.3263C>T (NM_020778.4); short protein forms T886I.
Identifiers: ClinVar variation 1345489 (VCV001345489.8), dbSNP rs1275702908, ClinGen allele CA393357935.

ClinVar aggregate classification (germline): Conflicting classifications of pathogenicity. Review status: criteria provided, conflicting classifications (1 of 4 stars). 2 submissions from 2 submitters: Uncertain significance (1); Likely benign (1). Last evaluated 2025-07-10.

Conditions:
Cardiovascular phenotype. Identifiers: MedGen CN230736.

Allele frequency attached by ClinVar (database versions not stated): gnomAD 0.00001; TOPMed 0.00001.
gnomAD v4.1: 2 of 1,613,994 alleles (0.00012%); highest among the groups gnomAD compares: Admixed American, 0.0017%; no homozygotes.

Submissions (2):

Ambry Genetics
Classification: Likely benign for Cardiovascular phenotype. Last evaluated: 2025-07-10. Review status: criteria provided, single submitter. Criteria: Ambry Variant Classification Scheme 2023. Collection method: clinical testing. Allele origin: germline.

Labcorp Genetics (formerly Invitae), Labcorp
Classification: Uncertain significance. Last evaluated: 2025-06-18. Review status: criteria provided, single submitter. Criteria: Invitae Variant Classification Sherloc (09022015). Collection method: clinical testing. Allele origin: germline.
Comment: This sequence change replaces threonine, which is neutral and polar, with isoleucine, which is neutral and non-polar, at codon 1088 of the ALPK3 protein (p.Thr1088Ile). This variant is not present in population databases (gnomAD no frequency). This variant has not been reported in the literature in individuals affected with ALPK3-related conditions. ClinVar contains an entry for this variant (Variation ID: 1345489). An algorithm developed to predict the effect of missense changes on protein structure and function outputs the following: PolyPhen-2: "Benign". The isoleucine amino acid residue is found in multiple mammalian species, which suggests that this missense change does not adversely affect protein function. In summary, the available evidence is currently insufficient to determine the role of this variant in disease. Therefore, it has been classified as a Variant of Uncertain Significance.